The following is an entry in ClinVar:

ClinVar aggregate classification (germline): Benign/Likely benign. Review status: criteria provided, multiple submitters, no conflicts (2 of 4 stars). 3 submissions from 3 submitters: Benign (1); Likely benign (1). 1 of the submissions does not count toward it. Last evaluated 2026-01-14.

Conditions:
ATP2B2-related disorder. Also called: ATP2B2-related condition.

Allele frequency attached by ClinVar (database versions not stated): TOPMed 0.00006; gnomAD 0.00025; gnomAD exomes 0.00060; ExAC 0.00120; 1000 Genomes Project 30x 0.00156; 1000 Genomes Project 0.00160.
gnomAD v4.1: 911 of 1,614,174 alleles (0.056%); highest among the groups gnomAD compares: South Asian, 0.96%; 10 homozygotes.

Submissions (3):

Labcorp Genetics (formerly Invitae), Labcorp
Classification: Benign. Last evaluated: 2026-01-14. Review status: criteria provided, single submitter. Criteria: Invitae Variant Classification Sherloc (09022015). Collection method: clinical testing. Allele origin: germline.

Blueprint Genetics
Classification: Likely benign. Last evaluated: 2024-11-26. Review status: criteria provided, single submitter. Criteria: ACMG Guidelines, 2015. Collection method: clinical testing. Allele origin: germline.

PreventionGenetics, part of Exact Sciences
Classification: Likely benign for ATP2B2-related condition. Last evaluated: 2019-04-18. Review status: no assertion criteria provided. Collection method: clinical testing. Allele origin: germline. Not counted in ClinVar's aggregate classification.
Comment: This variant is classified as likely benign based on ACMG/AMP sequence variant interpretation guidelines (Richards et al. 2015 PMID: 25741868, with internal and published modifications).

NM_001001331.4(ATP2B2):c.2529C>T (p.Asp843=)

Gene: ATP2B2 (ATPase plasma membrane Ca2+ transporting 2; minus strand). Cytogenetic location: 3p25.3.
Variant type: single nucleotide variant.
Coding change: c.2529C>T on transcript NM_001001331.4 (MANE Select); coding-DNA position 2529, C replaced by T.
Protein change: p.Asp843=; no amino-acid change (aspartic acid 843 retained).
Molecular consequence: synonymous variant.
Genome position (GRCh38, 1-based): chr3:10,345,558, G>A on the plus strand (C>T on the coding strand, the complement: ATP2B2 is on the minus strand). VCF-style: chr3-10345558-G-A. GRCh37 (hg19) VCF-style: chr3-10387242-G-A.
Other names: c.2394C>T, p.Asp798= (NM_001330611.3, NM_001353564.1, NM_001363862.1 and 1 more transcripts); c.2394C>T (NM_001683.3).
Identifiers: ClinVar variation 2143413 (VCV002143413.7), dbSNP rs199859941, ClinGen allele CA2253336.